The following is an entry in ClinVar:

ClinVar aggregate classification (germline): Uncertain significance (1 of 4 stars; one submission).

Conditions:
Malignant hyperthermia, susceptibility to, 1 (MHS1). Also called: RYR1-Related Malignant Hyperthermia Susceptibility; Malignant hyperthermia suceptibility 1; Anesthesia related hyperthermia; Malignant hyperpyrexia; Fulminating hyperpyrexia; Pharmacogenic myopathy. Identifiers: Orphanet 423, MedGen C2930980, MONDO:0007783, OMIM 145600.

Submission:

Color Diagnostics, LLC DBA Color Health
Classification: Uncertain significance for Malignant hyperthermia, susceptibility to, 1. Last evaluated: 2023-12-12. Review status: criteria provided, single submitter. Criteria: ACMG Guidelines, 2015. Collection method: clinical testing. Allele origin: germline.
Comment: This missense variant replaces asparagine with aspartic acid at codon 2744 of the RYR1 protein. Computational prediction is inconclusive regarding the impact of this variant on protein structure and function. To our knowledge, functional studies have not been reported for this variant. This variant has not been reported in individuals affected with RYR1-related disorders in the literature. This variant has not been identified in the general population by the Genome Aggregation Database (gnomAD). The available evidence is insufficient to determine the role of this variant in disease conclusively. Therefore, this variant is classified as a Variant of Uncertain Significance.

NM_000540.3(RYR1):c.8230A>G (p.Asn2744Asp)

Gene: RYR1 (ryanodine receptor 1; plus strand). Cytogenetic location: 19q13.2.
Variant type: single nucleotide variant.
Coding change: c.8230A>G on transcript NM_000540.3 (MANE Select); coding-DNA position 8230, A replaced by G.
Protein change: p.Asn2744Asp; replaces asparagine 2744 with aspartic acid.
Molecular consequence: missense variant.
Genome position (GRCh38, 1-based): chr19:38,504,910, A>G. VCF-style: chr19-38504910-A-G. GRCh37 (hg19) VCF-style: chr19-38995550-A-G.
Other names: c.8230A>G, p.Asn2744Asp (NM_001042723.2); short protein forms N2744D.
Identifiers: ClinVar variation 4758493 (VCV004758493.1).
Genomic context (GRCh38, chr19:38,504,910, plus strand): 5'-GAGAAAAAGGCCACAGTGGATGCTGAAGGCAACTTTGATCCCCGGCCTGTGGAGACCCTC[A>G]AGTGAGGCCTGGGGGCTGGGAGACAGAGAGGAAGATTTCAGGGGTGGAGGGAACCCCAGC-3'
Protein context (NP_000531.2, residues 2734-2754): NFDPRPVETL[Asn2744Asp]VIIPEKLDSF